The following is an entry in ClinVar:

GRCh38/hg38 6q11.1(chr6:61468685-62217280)x3

Genes: KHDRBS2 (KH RNA binding domain containing, signal transduction associated 2; minus strand), MTRNR2L9 (MT-RNR2 like 9; plus strand), LOC121740654 (Sharpr-MPRA regulatory region 7997; plus strand), LOC123744833 (Sharpr-MPRA regulatory region 774; plus strand). Cytogenetic location: 6q11.1.
Variant type: copy number gain.
Change: copy number 3 (three copies instead of two) of chr6:61,468,685-62,217,280 (748.6 kb, GRCh38 coordinates, 1-based), cytogenetic band 6q11.1.
Identifiers: ClinVar variation 150130 (VCV000150130.3).

ClinVar aggregate classification (germline): conflicting data from submitters (0 of 4 stars; one submission).

Submission:

ISCA site 1
Classification: conflicting data from submitters. Last evaluated: 2012-10-24. Review status: no assertion criteria provided. Collection method: clinical testing. Allele origin: paternal, maternal, unknown. Affected: yes. Observed: 3 variant alleles. Clinical features observed: Developmental delay AND/OR other significant developmental or morphological phenotypes, Global developmental delay (HP:0001263).
Comment: Uncertain significance(1), Likely benign (2)

Copy number variation identified through the course of routine clinical cytogenomic testing in postnatal populations, with clinical assertions as classified by the original submitter. For data from the original published study, Kaminsky, et al. 2011 (PubMed 21844811), please see nstd101.